The following is an entry in ClinVar:

NM_001164508.2(NEB):c.21736-2A>G

Genes: NEB (nebulin; minus strand), RIF1 (replication timing regulatory factor 1; plus strand). Cytogenetic location: 2q23.3.
Variant type: single nucleotide variant.
Coding change: c.21736-2A>G on transcript NM_001164508.2 (MANE Select); the canonical splice acceptor site of the intron before coding-DNA position 21736, A replaced by G.
Molecular consequence: splice acceptor variant.
Genome position (GRCh38, 1-based): chr2:151,527,587, T>C on the plus strand (A>G on the coding strand, the complement: NEB is on the minus strand). VCF-style: chr2-151527587-T-C. GRCh37 (hg19) VCF-style: chr2-152384101-T-C.
Other names: c.16633-2A>G (NM_004543.5); c.21736-2A>G (NM_001164507.2); c.21841-2A>G (NM_001271208.2).
Identifiers: ClinVar variation 550060 (VCV000550060.14), dbSNP rs1389892619, ClinGen allele CA348769191.

ClinVar aggregate classification (germline): Likely pathogenic. Review status: criteria provided, multiple submitters, no conflicts (2 of 4 stars). 3 submissions from 3 submitters: Likely pathogenic (2). 1 of the submissions does not count toward it. Last evaluated 2024-02-20.

Conditions:
Nemaline myopathy 2 (NEM2). Also called: Nemaline myopathy 2, autosomal recessive. Identifiers: MedGen C1850569, MONDO:0009725, OMIM 256030.
Arthrogryposis multiplex congenita 6. Identifiers: MedGen C5543431, MONDO:0030281, OMIM 619334.

Allele frequency attached by ClinVar (database versions not stated): gnomAD exomes below 0.00001; TOPMed 0.00001.
gnomAD v4.1: 2 of 1,608,372 alleles (0.00012%); highest among the groups gnomAD compares: Non-Finnish European, 0.00017%; no homozygotes.

Submissions (3):

Baylor Genetics
Classification: Likely pathogenic for Arthrogryposis multiplex congenita 6. Last evaluated: 2024-02-20. Review status: criteria provided, single submitter. Criteria: ACMG Guidelines, 2015. Collection method: clinical testing. Allele origin: unknown.

Labcorp Genetics (formerly Invitae), Labcorp
Classification: Likely pathogenic for Nemaline myopathy 2. Last evaluated: 2024-01-31. Review status: criteria provided, single submitter. Criteria: Invitae Variant Classification Sherloc (09022015). Collection method: clinical testing. Allele origin: germline.
Comment: This sequence change affects an acceptor splice site in intron 147 of the NEB gene. It is expected to disrupt RNA splicing. Variants that disrupt the donor or acceptor splice site typically lead to a loss of protein function (PMID: 16199547), and loss-of-function variants in NEB are known to be pathogenic (PMID: 25205138). This variant is present in population databases (no rsID available, gnomAD 0.0009%). This variant has not been reported in the literature in individuals affected with NEB-related conditions. ClinVar contains an entry for this variant (Variation ID: 550060). Algorithms developed to predict the effect of sequence changes on RNA splicing suggest that this variant may disrupt the consensus splice site. In summary, the currently available evidence indicates that the variant is pathogenic, but additional data are needed to prove that conclusively. Therefore, this variant has been classified as Likely Pathogenic.

Counsyl
Classification: Likely pathogenic for Nemaline myopathy 2. Last evaluated: 2018-01-13. Review status: no assertion criteria provided. Collection method: clinical testing. Allele origin: unknown. Not counted in ClinVar's aggregate classification.

Literature cited by the submitters: PubMed 16199547 (cited by Labcorp Genetics (formerly Invitae), Labcorp); PubMed 25205138 (cited by Labcorp Genetics (formerly Invitae), Labcorp).